The following is an entry in ClinVar:

NM_001457.4(FLNB):c.1398_1420del (p.Val467fs)

Gene: FLNB (filamin B; plus strand). Cytogenetic location: 3p14.3.
Variant type: Deletion.
Coding change: c.1398_1420del on transcript NM_001457.4 (MANE Select); coding-DNA positions 1398 to 1420, 23 bases deleted (CGTCCGTATCCGGGAGACCACAG).
Protein change: p.Val467fs; shifts the reading frame from valine 467.
Molecular consequence: frameshift variant.
Genome position (GRCh38, 1-based): chr3:58,102,255-58,102,277, CGTCCGTATCCGGGAGACCACAG deleted; deleting any 23 consecutive bases within chr3:58,102,254-58,102,277 gives the same sequence; the c. name uses the placement nearest the transcript's 3' end. VCF-style (leftmost placement, unchanged base first): chr3-58102253-GGCGTCCGTATCCGGGAGACCACA-G. GRCh37 (hg19) VCF-style: chr3-58087980-GGCGTCCGTATCCGGGAGACCACA-G.
Other names: c.1398_1420del, p.Val467fs (NM_001164317.2, NM_001164318.2, NM_001164319.2); short protein forms V467fs.
Identifiers: ClinVar variation 2850493 (VCV002850493.3), dbSNP rs2471064241, ClinGen allele CA2739278965.

ClinVar aggregate classification (germline): Pathogenic (1 of 4 stars; one submission).

Submission:

Labcorp Genetics (formerly Invitae), Labcorp
Classification: Pathogenic. Last evaluated: 2024-01-15. Review status: criteria provided, single submitter. Criteria: Invitae Variant Classification Sherloc (09022015). Collection method: clinical testing. Allele origin: germline.
Comment: This sequence change creates a premature translational stop signal (p.Val467Phefs*4) in the FLNB gene. It is expected to result in an absent or disrupted protein product. Loss-of-function variants in FLNB are known to be pathogenic (PMID: 14991055). This variant is not present in population databases (gnomAD no frequency). This variant has not been reported in the literature in individuals affected with FLNB-related conditions. For these reasons, this variant has been classified as Pathogenic.

Literature cited by the submitters: PubMed 14991055.